The following is an entry in ClinVar:

ClinVar aggregate classification (germline): Uncertain significance. Review status: criteria provided, multiple submitters, no conflicts (2 of 4 stars). 4 submissions from 4 submitters: Uncertain significance (4). Last evaluated 2026-05-27.

Conditions:
Inborn genetic diseases. Identifiers: MedGen C0950123, MeSH D030342.

Allele frequency attached by ClinVar (database versions not stated): TOPMed 0.00001; gnomAD exomes 0.00001; ExAC 0.00001.
gnomAD v4.1: 10 of 1,608,254 alleles (0.00062%); highest among the groups gnomAD compares: Non-Finnish European, 0.00077%; no homozygotes.

Submissions (4):

Women's Health and Genetics/Laboratory Corporation of America, LabCorp
Classification: Uncertain significance. Last evaluated: 2026-05-27. Review status: criteria provided, single submitter. Criteria: LabCorp Variant Classification Summary - May 2015. Collection method: clinical testing. Allele origin: germline.
Comment: Variant summary: MME c.1445A>C (p.Tyr482Ser) results in a non-conservative amino acid change in the encoded protein sequence. Algorithms developed to predict the effect of missense changes on protein structure and function all suggest that this variant is likely to be disruptive. The variant allele was found at a frequency of 1.2e-05 in 251014 control chromosomes. The available data on variant occurrences in the general population are insufficient to allow any conclusion about variant significance. To our knowledge, no occurrence of c.1445A>C in individuals affected with MME-related conditions and no experimental evidence demonstrating its impact on protein function have been reported. ClinVar contains an entry for this variant (Variation ID: 1306225). Based on the evidence outlined above, the variant was classified as uncertain significance.

Ambry Genetics
Classification: Uncertain significance for Inborn genetic diseases. Last evaluated: 2026-04-06. Review status: criteria provided, single submitter. Criteria: Ambry Variant Classification Scheme 2023. Collection method: clinical testing. Allele origin: germline.

Labcorp Genetics (formerly Invitae), Labcorp
Classification: Uncertain significance. Last evaluated: 2021-07-31. Review status: criteria provided, single submitter. Criteria: Invitae Variant Classification Sherloc (09022015). Collection method: clinical testing. Allele origin: germline.
Comment: In summary, the available evidence is currently insufficient to determine the role of this variant in disease. Therefore, it has been classified as a Variant of Uncertain Significance. Algorithms developed to predict the effect of missense changes on protein structure and function are either unavailable or do not agree on the potential impact of this missense change (SIFT: "Deleterious"; PolyPhen-2: "Probably Damaging"; Align-GVGD: "Class C0"). This variant has not been reported in the literature in individuals affected with MME-related conditions. This variant is present in population databases (rs201936237, ExAC 0.002%). This sequence change replaces tyrosine with serine at codon 482 of the MME protein (p.Tyr482Ser). The tyrosine residue is highly conserved and there is a large physicochemical difference between tyrosine and serine.

GeneDx
Classification: Uncertain significance. Last evaluated: 2019-06-11. Review status: criteria provided, single submitter. Criteria: GeneDx Variant Classification Process June 2021. Collection method: clinical testing. Allele origin: germline. Affected: yes.
Comment: Not observed at a significant frequency in large population cohorts (Lek et al., 2016); In silico analysis, which includes protein predictors and evolutionary conservation, supports a deleterious effect; Has not been previously published as pathogenic or benign to our knowledge

NM_007289.4(MME):c.1445A>C (p.Tyr482Ser)

Gene: MME (membrane metalloendopeptidase; plus strand). Cytogenetic location: 3q25.2.
Variant type: single nucleotide variant.
Coding change: c.1445A>C on transcript NM_007289.4 (MANE Select); coding-DNA position 1445, A replaced by C.
Protein change: p.Tyr482Ser; replaces tyrosine 482 with serine.
Molecular consequence: missense variant.
Genome position (GRCh38, 1-based): chr3:155,147,172, A>C. VCF-style: chr3-155147172-A-C. GRCh37 (hg19) VCF-style: chr3-154864961-A-C.
Other names: c.1445A>C, p.Tyr482Ser (NM_000902.5, NM_001354642.2, NM_001354643.1 and 2 more transcripts); short protein forms Y482S.
Identifiers: ClinVar variation 1306225 (VCV001306225.7), dbSNP rs201936237, ClinGen allele CA2675515.